The following is an entry in ClinVar:

NM_003072.5(SMARCA4):c.4673C>G (p.Thr1558Ser)

Gene: SMARCA4 (SWI/SNF related BAF chromatin remodeling complex subunit ATPase 4; plus strand). Cytogenetic location: 19p13.2.
Variant type: single nucleotide variant.
Coding change: c.4673C>G on transcript NM_003072.5 (MANE Select); coding-DNA position 4673, C replaced by G.
Protein change: p.Thr1558Ser; replaces threonine 1558 with serine.
Molecular consequence: missense variant. On other transcripts: non-coding transcript variant (1).
Genome position (GRCh38, 1-based): chr19:11,059,790, C>G. VCF-style: chr19-11059790-C-G. GRCh37 (hg19) VCF-style: chr19-11170466-C-G.
Other names: c.4673C>G, p.Thr1558Ser (NM_001128844.3); c.4583C>G, p.Thr1528Ser (NM_001128845.2); c.4580C>G, p.Thr1527Ser (NM_001128846.2); c.4574C>G, p.Thr1525Ser (NM_001128847.4, NM_001374457.1); c.4571C>G, p.Thr1524Ser (NM_001128848.2); c.4769C>G, p.Thr1590Ser (NM_001128849.3, NM_001387283.1); c.4670C>G, p.Thr1557Ser (NM_001411150.1); short protein forms T1524S, T1557S, T1590S, T1527S, T1528S, T1525S, T1558S.
Identifiers: ClinVar variation 1742940 (VCV001742940.2), dbSNP rs765873407, ClinGen allele CA404079302.
Genomic context (GRCh38, chr19:11,059,790, plus strand): 5'-AAGCCCCTGGTGTCTCTGCCCAGATCTATGAAGACTCCATCGTCTTGCAGTCGGTCTTCA[C>G]CAGCGTGCGGCAGAAAATCGAGAAGGAGGATGACAGTGAAGGCGAGGAGAGTGAGGAGGA-3'
Protein context (NP_003063.2, residues 1548-1568): EDSIVLQSVF[Thr1558Ser]SVRQKIEKED

ClinVar aggregate classification (germline): Uncertain significance (1 of 4 stars; one submission).

Conditions:
Hereditary cancer-predisposing syndrome. Also called: Hereditary Cancer Syndrome; Hereditary neoplastic syndrome; Neoplastic Syndromes, Hereditary; Tumor predisposition. Identifiers: Orphanet 140162, MedGen C0027672, MeSH D009386, MONDO:0015356.

Submission:

Ambry Genetics
Classification: Uncertain significance for Hereditary cancer-predisposing syndrome. Last evaluated: 2022-05-23. Review status: criteria provided, single submitter. Criteria: Ambry Variant Classification Scheme 2023. Collection method: clinical testing. Allele origin: germline.
Comment: The p.T1590S variant (also known as c.4769C>G), located in coding exon 33 of the SMARCA4 gene, results from a C to G substitution at nucleotide position 4769. The threonine at codon 1590 is replaced by serine, an amino acid with similar properties. This amino acid position is well conserved in available vertebrate species. In addition, this alteration is predicted to be tolerated by in silico analysis. Missense and in-frame variants in SMARCA4 are known to cause neurodevelopmental disorders; however, such associations with rhabdoid tumor predisposition syndrome including small cell carcinoma of the ovary-hypercalcemic type (SCCOHT) are exceedingly rare (Kosho T et al. Am J Med Genet C Semin Med Genet. 2014 Sep;166C(3):262-75; Jelinic P et al. Nat Genet. 2014 May;46(5):424-6). Based on the supporting evidence, the association of this alteration with Coffin-Siris syndrome is unknown; however, the association of this alteration with rhabdoid tumor predisposition syndrome is unlikely.